The following is an entry in ClinVar:

NM_001378454.1(ALMS1):c.9610A>G (p.Ile3204Val)

Gene: ALMS1 (ALMS1 centrosome and basal body associated protein; plus strand). Cytogenetic location: 2p13.1.
Variant type: single nucleotide variant.
Coding change: c.9610A>G on transcript NM_001378454.1 (MANE Select); coding-DNA position 9610, A replaced by G.
Protein change: p.Ile3204Val; replaces isoleucine 3204 with valine.
Molecular consequence: missense variant.
Genome position (GRCh38, 1-based): chr2:73,519,845, A>G. VCF-style: chr2-73519845-A-G. GRCh37 (hg19) VCF-style: chr2-73746972-A-G.
Other names: c.9613A>G, p.Ile3205Val (NM_015120.4); short protein forms I3205V, I3204V.
Identifiers: ClinVar variation 558395 (VCV000558395.12), dbSNP rs377600448, ClinGen allele CA1714713.

ClinVar aggregate classification (germline): Uncertain significance. Review status: criteria provided, multiple submitters, no conflicts (2 of 4 stars). 5 submissions from 5 submitters: Uncertain significance (3). 2 of the submissions do not count toward it. Last evaluated 2025-01-23.

Conditions:
Cardiovascular phenotype. Identifiers: MedGen CN230736.
Alstrom syndrome (ALMS). Identifiers: Orphanet 64, MedGen C0268425, MONDO:0008763, OMIM 203800.

Allele frequency attached by ClinVar (database versions not stated): ExAC 0.00001; gnomAD 0.00001; gnomAD exomes 0.00001; TOPMed 0.00002; ESP Exome Variant Server 0.00008.
gnomAD v4.1: 18 of 1,613,978 alleles (0.0011%); highest among the groups gnomAD compares: East Asian, 0.0022%; no homozygotes.

Submissions (5):

Labcorp Genetics (formerly Invitae), Labcorp
Classification: Uncertain significance for Alstrom syndrome. Last evaluated: 2025-01-23. Review status: criteria provided, single submitter. Criteria: Invitae Variant Classification Sherloc (09022015). Collection method: clinical testing. Allele origin: germline.
Comment: This sequence change replaces isoleucine, which is neutral and non-polar, with valine, which is neutral and non-polar, at codon 3205 of the ALMS1 protein (p.Ile3205Val). This variant is present in population databases (rs377600448, gnomAD 0.006%). This missense change has been observed in individual(s) with congenital malformations (PMID: 34716235). ClinVar contains an entry for this variant (Variation ID: 558395). Experimental studies and prediction algorithms are not available or were not evaluated, and the functional significance of this variant is currently unknown. In summary, the available evidence is currently insufficient to determine the role of this variant in disease. Therefore, it has been classified as a Variant of Uncertain Significance.

Ambry Genetics
Classification: Uncertain significance for Cardiovascular phenotype. Last evaluated: 2023-09-29. Review status: criteria provided, single submitter. Criteria: Ambry Variant Classification Scheme 2023. Collection method: clinical testing. Allele origin: germline.
Comment: The p.I3205V variant (also known as c.9613A>G), located in coding exon 11 of the ALMS1 gene, results from an A to G substitution at nucleotide position 9613. The isoleucine at codon 3205 is replaced by valine, an amino acid with highly similar properties. This alteration has been reported in a ciliopathy disorders cohort (Best S et al. J Med Genet, 2022 Aug;59:737-747). This amino acid position is highly conserved in available vertebrate species. In addition, this alteration is predicted to be tolerated by in silico analysis. Since supporting evidence is limited at this time, the clinical significance of this alteration remains unclear.

Fulgent Genetics
Classification: Uncertain significance for Alstrom syndrome. Last evaluated: 2021-10-25. Review status: criteria provided, single submitter. Criteria: ACMG Guidelines, 2015. Collection method: clinical testing. Allele origin: unknown.

Natera, Inc.
Classification: Uncertain significance for Alstrom syndrome. Last evaluated: 2021-06-01. Review status: no assertion criteria provided. Collection method: clinical testing. Allele origin: germline. Not counted in ClinVar's aggregate classification.

Counsyl
Classification: Uncertain significance for Alstrom syndrome. Last evaluated: 2018-05-21. Review status: no assertion criteria provided. Collection method: clinical testing. Allele origin: unknown. Not counted in ClinVar's aggregate classification.

Literature cited by the submitters: PubMed 34716235 (cited by Labcorp Genetics (formerly Invitae), Labcorp and Ambry Genetics).